The following is an entry in ClinVar:

ClinVar aggregate classification (germline): Pathogenic (1 of 4 stars; one submission).

Submission:

Labcorp Genetics (formerly Invitae), Labcorp
Classification: Pathogenic. Last evaluated: 2023-04-12. Review status: criteria provided, single submitter. Criteria: Invitae Variant Classification Sherloc (09022015). Collection method: clinical testing. Allele origin: germline.
Comment: For these reasons, this variant has been classified as Pathogenic. ClinVar contains an entry for this variant (Variation ID: 1372183). This variant has not been reported in the literature in individuals affected with ATR-related conditions. This variant is present in population databases (rs749656305, gnomAD 0.01%). This sequence change creates a premature translational stop signal (p.Asn2279Lysfs*4) in the ATR gene. It is expected to result in an absent or disrupted protein product. Loss-of-function variants in ATR are known to be pathogenic (PMID: 21228398, 23144622).

Literature cited by the submitters: PubMed 21228398; PubMed 23144622.

NM_001184.4(ATR):c.6836dup (p.Asn2279fs)

Gene: ATR (ATR checkpoint kinase; minus strand). Cytogenetic location: 3q23.
Variant type: Duplication.
Coding change: c.6836dup on transcript NM_001184.4 (MANE Select); coding-DNA position 6836, one base duplicated (A; older notation c.6836dupA).
Protein change: p.Asn2279fs; shifts the reading frame from asparagine 2279.
Molecular consequence: frameshift variant.
Genome position (GRCh38, 1-based): chr3:142,466,385, T duplicated on the plus strand (A on the coding strand, the reverse complement: ATR is on the minus strand); the first of 2 consecutive T bases (chr3:142,466,385-142,466,386); duplicating either gives the same sequence. VCF-style (leftmost placement, unchanged base first): chr3-142466384-G-GT. GRCh37 (hg19) VCF-style: chr3-142185226-G-GT.
Other names: c.6644dup, p.Asn2215fs (NM_001354579.2); short protein forms N2215fs, N2279fs.
Identifiers: ClinVar variation 1372183 (VCV001372183.6), dbSNP rs749656305, ClinGen allele CA2649260.